The following is an entry in ClinVar:

NM_022841.7(RFX7):c.4151T>C (p.Ile1384Thr)

Gene: RFX7 (regulatory factor X7; minus strand). Cytogenetic location: 15q21.3.
Variant type: single nucleotide variant.
Coding change: c.4151T>C on transcript NM_022841.7 (MANE Select); coding-DNA position 4151, T replaced by C.
Protein change: p.Ile1384Thr; replaces isoleucine 1384 with threonine.
Molecular consequence: missense variant. On other transcripts: intron variant (1).
Genome position (GRCh38, 1-based): chr15:56,093,577, A>G on the plus strand (T>C on the coding strand, the complement: RFX7 is on the minus strand). VCF-style: chr15-56093577-A-G. GRCh37 (hg19) VCF-style: chr15-56385775-A-G.
Other names: c.3860T>C, p.Ile1287Thr (NM_001368073.2, NM_001368074.1); c.4151T>C, p.Ile1384Thr (NM_001370561.1); c.3804+56T>C (NM_001370554.1); short protein forms I1384T, I1287T.
Identifiers: ClinVar variation 3153515 (VCV003153515.7), dbSNP rs183396207, ClinGen allele CA7577871.

ClinVar aggregate classification (germline): Likely benign. Review status: criteria provided, multiple submitters, no conflicts (2 of 4 stars). 2 submissions from 2 submitters: Likely benign (2). Last evaluated 2026-05-01.

Conditions:
Inborn genetic diseases. Identifiers: MedGen C0950123, MeSH D030342.

Allele frequency attached by ClinVar (database versions not stated): ESP Exome Variant Server 0.00008; gnomAD exomes 0.00014; gnomAD 0.00040; ExAC 0.00042; TOPMed 0.00079; 1000 Genomes Project 0.00100; 1000 Genomes Project 30x 0.00109.
gnomAD v4.1: 273 of 1,613,704 alleles (0.017%); highest among the groups gnomAD compares: Admixed American, 0.23%; 1 homozygote.

Submissions (2):

CeGaT Center for Human Genetics Tuebingen
Classification: Likely benign. Last evaluated: 2026-05-01. Review status: criteria provided, single submitter. Criteria: CeGaT Center For Human Genetics Tuebingen Variant Classification Criteria Version 2. Collection method: clinical testing. Allele origin: germline. Affected: yes. Observed: 3 variant alleles.
Comment: RFX7: BS1

Ambry Genetics
Classification: Likely benign for Inborn genetic diseases. Last evaluated: 2023-11-13. Review status: criteria provided, single submitter. Criteria: Ambry Variant Classification Scheme 2023. Collection method: clinical testing. Allele origin: germline.